The following is an entry in ClinVar:

NM_002860.4(ALDH18A1):c.2207-46G>A

Gene: ALDH18A1 (aldehyde dehydrogenase 18 family member A1; minus strand). Cytogenetic location: 10q24.1.
Variant type: single nucleotide variant.
Coding change: c.2207-46G>A on transcript NM_002860.4 (MANE Select); 46 bases into the intron before coding-DNA position 2207, G replaced by A.
Molecular consequence: intron variant.
Genome position (GRCh38, 1-based): chr10:95,606,989, C>T on the plus strand (G>A on the coding strand, the complement: ALDH18A1 is on the minus strand). VCF-style: chr10-95606989-C-T. GRCh37 (hg19) VCF-style: chr10-97366746-C-T.
Other names: c.1571-46G>A (NM_001323419.2); c.1874-46G>A (NM_001323412.2, NM_001323416.2); c.2102-46G>A (NM_001323417.2); c.2201-46G>A (NM_001017423.2, NM_001323415.2); c.1868-46G>A (NM_001323418.2); c.2207-46G>A (NM_001323413.2, NM_001323414.2).
Identifiers: ClinVar variation 678446 (VCV000678446.5), dbSNP rs7099284, ClinGen allele CA5620111.

ClinVar aggregate classification (germline): Benign. Review status: criteria provided, multiple submitters, no conflicts (2 of 4 stars). 6 submissions from 3 submitters: Benign (6). Last evaluated 2021-07-14.

Conditions:
Cutis laxa, autosomal dominant 3 (ADCL3). Identifiers: Orphanet 90348, MedGen C4225268, MONDO:0014706, OMIM 616603.
Autosomal recessive complex spastic paraplegia type 9B. Also called: Spastic paraplegia 9b, autosomal recessive. Identifiers: Orphanet 447760, MedGen C5568980, MONDO:0014702, OMIM 616586.
Hereditary spastic paraplegia 9A. Also called: CATARACTS WITH MOTOR NEURONOPATHY, SHORT STATURE, AND SKELETAL ABNORMALITIES; SPASTIC PARAPLEGIA 9A, AUTOSOMAL DOMINANT; SPASTIC PARAPARESIS WITH AMYOTROPHY, CATARACTS, AND GASTROESOPHAGEAL REFLUX. Identifiers: Orphanet 100990, Orphanet 447753, MedGen C5568978, MONDO:0011006, OMIM 601162.
ALDH18A1-related de Barsy syndrome. Also called: DE BARSY SYNDROME A; Cutis laxa, autosomal recessive IIIA. Identifiers: Orphanet 2962, Orphanet 35664, MedGen C5234852, MONDO:0009053, OMIM 219150.

Allele frequency attached by ClinVar (database versions not stated): 1000 Genomes Project 0.29792; 1000 Genomes Project 30x 0.30465; TOPMed 0.41618; gnomAD 0.41962 and 0.42467; ESP Exome Variant Server 0.42857; ExAC 0.44443; gnomAD exomes 0.45244 and 0.50487.
gnomAD v4.1: 793,889 of 1,601,886 alleles (50%); highest among the groups gnomAD compares: Admixed American, 55%; 207,037 homozygotes.

Submissions (6):

Genome-Nilou Lab
Classification: Benign for Cutis laxa, autosomal dominant 3. Last evaluated: 2021-07-14. Review status: criteria provided, single submitter. Criteria: ACMG Guidelines, 2015. Collection method: clinical testing. Allele origin: germline. Affected: no.

Genome-Nilou Lab
Classification: Benign for ALDH18A1-related de Barsy syndrome. Last evaluated: 2021-07-14. Review status: criteria provided, single submitter. Criteria: ACMG Guidelines, 2015. Collection method: clinical testing. Allele origin: germline. Affected: no.

Genome-Nilou Lab
Classification: Benign for Hereditary spastic paraplegia 9A. Last evaluated: 2021-07-14. Review status: criteria provided, single submitter. Criteria: ACMG Guidelines, 2015. Collection method: clinical testing. Allele origin: germline. Affected: no.

Genome-Nilou Lab
Classification: Benign for Autosomal recessive complex spastic paraplegia type 9B. Last evaluated: 2021-07-14. Review status: criteria provided, single submitter. Criteria: ACMG Guidelines, 2015. Collection method: clinical testing. Allele origin: germline. Affected: no.

GeneDx
Classification: Benign. Last evaluated: 2018-06-14. Review status: criteria provided, single submitter. Criteria: GeneDx Variant Classification (06012015). Collection method: clinical testing. Allele origin: germline. Affected: yes.
Comment: This variant is considered likely benign or benign based on one or more of the following criteria: it is a conservative change, it occurs at a poorly conserved position in the protein, it is predicted to be benign by multiple in silico algorithms, and/or has population frequency not consistent with disease.

Breakthrough Genomics
Classification: Benign. Review status: criteria provided, single submitter. Criteria: ACMG Guidelines, 2015. Collection method: not provided. Allele origin: germline. Inheritance: Autosomal recessive inheritance. Affected: yes.